The following is an entry in ClinVar:

NM_000540.3(RYR1):c.6892-3C>T

Gene: RYR1 (ryanodine receptor 1; plus strand). Cytogenetic location: 19q13.2.
Variant type: single nucleotide variant.
Coding change: c.6892-3C>T on transcript NM_000540.3 (MANE Select); 3 bases into the intron before coding-DNA position 6892, C replaced by T.
Molecular consequence: intron variant.
Genome position (GRCh38, 1-based): chr19:38,499,105, C>T. VCF-style: chr19-38499105-C-T. GRCh37 (hg19) VCF-style: chr19-38989745-C-T.
Other names: c.6892-3C>T (NM_001042723.2).
Identifiers: ClinVar variation 4748251 (VCV004748251.1).

ClinVar aggregate classification (germline): Uncertain significance (1 of 4 stars; one submission).

Conditions:
RYR1-related disorder. Also called: RYR1-related condition; RYR1-related disorders. Identifiers: MedGen CN239331.

gnomAD v4.1: 1 of 1,614,018 alleles (0.000062%); no homozygotes.

Submission:

Labcorp Genetics (formerly Invitae), Labcorp
Classification: Uncertain significance for RYR1-related disorder. Last evaluated: 2025-04-29. Review status: criteria provided, single submitter. Criteria: Invitae Variant Classification Sherloc (09022015). Collection method: clinical testing. Allele origin: germline.
Comment: This sequence change falls in intron 42 of the RYR1 gene. It does not directly change the encoded amino acid sequence of the RYR1 protein. It affects a nucleotide within the consensus splice site. This variant is not present in population databases (gnomAD no frequency). This variant has not been reported in the literature in individuals affected with RYR1-related conditions. Variants that disrupt the consensus splice site are a relatively common cause of aberrant splicing (PMID: 17576681, 9536098). Algorithms developed to predict the effect of sequence changes on RNA splicing suggest that this variant is not likely to affect RNA splicing. In summary, the available evidence is currently insufficient to determine the role of this variant in disease. Therefore, it has been classified as a Variant of Uncertain Significance.

Literature cited by the submitters: PubMed 17576681; PubMed 9536098.